The following is an entry in ClinVar:

ClinVar aggregate classification (germline): Uncertain significance (1 of 4 stars; one submission).

Conditions:
Hereditary breast ovarian cancer syndrome. Also called: Hereditary breast and ovarian cancer syndrome; BRCA1- and BRCA2-Associated Hereditary Breast and Ovarian Cancer; Hereditary breast and ovarian cancer; Hereditary breast and/or ovarian cancer syndrome; Hereditary breast and ovarian cancer syndrome (HBOC); Breast and ovarian cancer. Identifiers: Orphanet 145, MedGen C0677776, MeSH D061325, MONDO:0003582. Disease mechanism: loss of function.

Submission:

Labcorp Genetics (formerly Invitae), Labcorp
Classification: Uncertain significance for Hereditary breast ovarian cancer syndrome. Last evaluated: 2022-03-04. Review status: criteria provided, single submitter. Criteria: Invitae Variant Classification Sherloc (09022015). Collection method: clinical testing. Allele origin: germline.
Comment: Algorithms developed to predict the effect of sequence changes on RNA splicing suggest that this variant may create or strengthen a splice site. In summary, the available evidence is currently insufficient to determine the role of this variant in disease. Therefore, it has been classified as a Variant of Uncertain Significance. This variant has not been reported in the literature in individuals affected with BRCA2-related conditions. This variant is not present in population databases (gnomAD no frequency). This sequence change falls in intron 8 of the BRCA2 gene. It does not directly change the encoded amino acid sequence of the BRCA2 protein.

NM_000059.4(BRCA2):c.682-15C>G

Gene: BRCA2 (BRCA2 DNA repair associated; plus strand). Cytogenetic location: 13q13.1.
Variant type: single nucleotide variant.
Coding change: c.682-15C>G on transcript NM_000059.4 (MANE Select); 15 bases into the intron before coding-DNA position 682, C replaced by G.
Molecular consequence: intron variant.
Genome position (GRCh38, 1-based): chr13:32,330,904, C>G. VCF-style: chr13-32330904-C-G. GRCh37 (hg19) VCF-style: chr13-32905041-C-G.
Identifiers: ClinVar variation 2106496 (VCV002106496.4), dbSNP rs864622084, ClinGen allele CA2580087062.